The following is an entry in ClinVar:

ClinVar aggregate classification (germline): Likely pathogenic (1 of 4 stars; one submission).

Conditions:
Cornelia de Lange syndrome 1 (CDLS1). Also called: TYPUS DEGENERATIVUS AMSTELODAMENSIS; Brachmann de Lange syndrome; NIPBL-Related Cornelia de Lange Syndrome. Identifiers: Orphanet 199, MedGen C4551851, MONDO:0007387, OMIM 122470.

Submission:

Center for Pediatric Genomic Medicine, Children's Mercy Hospital and Clinics
Classification: Likely pathogenic for Cornelia de Lange syndrome 1. Last evaluated: 2022-07-01. Review status: criteria provided, single submitter. Criteria: ACMG Guidelines, 2015. Collection method: clinical testing. Allele origin: de novo. Affected: yes.
Comment: PVS1_strong, PS2, PM2_supp

NM_133433.4(NIPBL):c.3985del (p.Ile1329fs)

Gene: NIPBL (NIPBL cohesin loading factor; plus strand). Cytogenetic location: 5p13.2.
Variant type: Deletion.
Coding change: c.3985del on transcript NM_133433.4 (MANE Select); coding-DNA position 3985, one base deleted (A; older notation c.3985delA).
Protein change: p.Ile1329fs; shifts the reading frame from isoleucine 1329.
Molecular consequence: frameshift variant.
Genome position (GRCh38, 1-based): chr5:37,006,486, A deleted. VCF-style (leftmost placement, unchanged base first): chr5-37006485-CA-C. GRCh37 (hg19) VCF-style: chr5-37006587-CA-C.
Other names: c.3985del, p.Ile1329fs (NM_001438586.1, NM_015384.5); short protein forms I1329fs.
Identifiers: ClinVar variation 5042501 (VCV005042501.1).
Genomic context (GRCh38, chr5:37,006,485, plus strand): 5'-GGATGCTTGTCTTACAACTATCAACATTATGACATCCCCTAACATGCCAAAAGCTGTGTA[CA>C]TTGAGGATGTAATTGAAAGAGTTATACAGTACACTAAATTTCATTTGCAGAATACACTTT-3'